The following is an entry in ClinVar:

NM_001348768.2(HECW2):c.-35-72257T>G

Gene: HECW2 (HECT, C2 and WW domain containing E3 ubiquitin protein ligase 2; minus strand). Cytogenetic location: 2q32.3.
Variant type: single nucleotide variant.
Coding change: c.-35-72257T>G on transcript NM_001348768.2 (MANE Select); 72257 bases into the intron before 35 bases upstream of the start codon, T replaced by G.
Molecular consequence: intron variant.
Genome position (GRCh38, 1-based): chr2:196,505,715, A>C on the plus strand (T>G on the coding strand, the complement: HECW2 is on the minus strand). VCF-style: chr2-196505715-A-C. GRCh37 (hg19) VCF-style: chr2-197370439-A-C.
Other names: c.-35-72257T>G (NM_020760.4).
Identifiers: ClinVar variation 1696641 (VCV001696641.1), dbSNP rs2125408449, ClinGen allele CA2580065379.
Genomic context (GRCh38, chr2:196,505,715, plus strand): 5'-GAGGAAATACACAAGTAAAACCAGAATTTTCTTTAAAATTATAAGGGGACATAATGGCTA[A>C]TCCTTATCAAGAAAACATTATAGATTTATACTAATAAATTTGGATCTTTAACCCAGGTGG-3'

ClinVar aggregate classification (germline): Uncertain significance (1 of 4 stars; one submission).

Conditions:
Neurodevelopmental disorder with hypotonia, seizures, and absent language (NDHSAL). Identifiers: MedGen C4310643, MONDO:0014995, OMIM 617268.

Submission:

New York Genome Center
Classification: Uncertain significance for Neurodevelopmental disorder with hypotonia, seizures, and absent language. Last evaluated: 2021-08-06. Review status: criteria provided, single submitter. Criteria: NYGC Assertion Criteria 2020. Collection method: clinical testing. Allele origin: de novo. Observed: 1 heterozygote. Study: CSER-NYCKidSeq.
Comment: The de novo c.-35-72257T>G variant identified in the HECW2 gene is a single nucleotide deep intronic variant which substitutes a moderately conserved Adenine for Cytosine (at the nucleotide level) within intron 1/28, upstream from the transcriptional start site within exon 2. This variant is absent from gnomAD(v3.1.1) suggesting it is not a common benign variant in the populations represented in that database. In silico algorithm SpliceAI does not predict this variant to lead to an alteration of splicing (delta scores 0.00), and the Transcript inferred Pathogenicity (TraP) score is 0.149 which is between 75-90% score-percentile, which also does not strongly suggest a damaging effect. This variant is absent from ClinVar and to our current knowledge has not been reported in affected individuals in the literature. While it is found de novo here, and absent in population databases, the uncertain functional consequence of the de novoc.-35-72257T>G variant identified in the HECW2 gene results in its classification as a Variant of Uncertain Significance.